The following is an entry in ClinVar:

NM_001211.6(BUB1B):c.502T>C (p.Phe168Leu)

Gene: BUB1B (BUB1 mitotic checkpoint serine/threonine kinase B; plus strand). Cytogenetic location: 15q15.1.
Variant type: single nucleotide variant.
Coding change: c.502T>C on transcript NM_001211.6 (MANE Select); coding-DNA position 502, T replaced by C.
Protein change: p.Phe168Leu; replaces phenylalanine 168 with leucine.
Molecular consequence: missense variant.
Genome position (GRCh38, 1-based): chr15:40,176,594, T>C. VCF-style: chr15-40176594-T-C. GRCh37 (hg19) VCF-style: chr15-40468795-T-C.
Other names: short protein forms F168L.
Identifiers: ClinVar variation 3262265 (VCV003262265.1).

ClinVar aggregate classification (germline): Uncertain significance (1 of 4 stars; one submission).

Conditions:
Inborn genetic diseases. Identifiers: MedGen C0950123, MeSH D030342.

Submission:

Ambry Genetics
Classification: Uncertain significance for Inborn genetic diseases. Last evaluated: 2024-05-18. Review status: criteria provided, single submitter. Criteria: Ambry Variant Classification Scheme 2023. Collection method: clinical testing. Allele origin: germline.
Comment: The p.F168L variant (also known as c.502T>C), located in coding exon 5 of the BUB1B gene, results from a T to C substitution at nucleotide position 502. The phenylalanine at codon 168 is replaced by leucine, an amino acid with highly similar properties. This amino acid position is conserved. In addition, this alteration is predicted to be tolerated by in silico analysis. Based on the available evidence, the clinical significance of this variant remains unclear.